The following is an entry in ClinVar:

ClinVar aggregate classification (germline): Uncertain significance. Review status: criteria provided, multiple submitters, no conflicts (2 of 4 stars). 2 submissions from 2 submitters: Uncertain significance (2). Last evaluated 2022-10-13.

Conditions:
Chédiak-Higashi syndrome (CHS). Also called: Chediak-Higashi Syndrome. Identifiers: Orphanet 167, MedGen C0007965, MONDO:0008963, OMIM 214500.

Submissions (2):

Labcorp Genetics (formerly Invitae), Labcorp
Classification: Uncertain significance for Chédiak-Higashi syndrome. Last evaluated: 2022-10-13. Review status: criteria provided, single submitter. Criteria: Invitae Variant Classification Sherloc (09022015). Collection method: clinical testing. Allele origin: germline.
Comment: This variant, c.2539_2541del, results in the deletion of 1 amino acid(s) of the LYST protein (p.Lys847del), but otherwise preserves the integrity of the reading frame. This variant is present in population databases (rs755119451, gnomAD 0.004%). This variant has not been reported in the literature in individuals affected with LYST-related conditions. Experimental studies and prediction algorithms are not available or were not evaluated, and the functional significance of this variant is currently unknown. In summary, the available evidence is currently insufficient to determine the role of this variant in disease. Therefore, it has been classified as a Variant of Uncertain Significance.

Revvity Omics, Revvity
Classification: Uncertain significance for Chédiak-Higashi syndrome. Last evaluated: 2019-11-16. Review status: criteria provided, single submitter. Criteria: ACMG Guidelines, 2015. Collection method: clinical testing. Allele origin: germline.

NM_000081.4(LYST):c.2539_2541del (p.Lys847del)

Gene: LYST (lysosomal trafficking regulator; minus strand). Cytogenetic location: 1q42.3.
Variant type: Deletion.
Coding change: c.2539_2541del on transcript NM_000081.4 (MANE Select); coding-DNA positions 2539 to 2541, 3 bases deleted (AAG; older notation c.2539_2541delAAG).
Protein change: p.Lys847del; deletes lysine 847.
Molecular consequence: inframe deletion. On other transcripts: inframe indel (1).
Genome position (GRCh38, 1-based): chr1:235,806,595-235,806,597, CTT deleted on the plus strand (AAG on the coding strand, the reverse complement: LYST is on the minus strand); deleting any 3 consecutive bases within chr1:235,806,595-235,806,599 gives the same sequence; the c. name uses the placement nearest the transcript's 3' end. VCF-style (leftmost placement, unchanged base first): chr1-235806594-CCTT-C. GRCh37 (hg19) VCF-style: chr1-235969894-CCTT-C.
Other names: c.2539_2541del (NM_000081.3); c.2537_2539delAGA, p.Lys847del (NM_000081.3); c.2539_2541del, p.Lys847del (NM_001301365.1); short protein forms K847del.
Identifiers: ClinVar variation 1906639 (VCV001906639.5), dbSNP rs755119451, ClinGen allele CA1467257.
Genomic context (GRCh38, chr1:235,806,594, plus strand): 5'-GAGAATCTGAATAAGCTTGCTGATGATGAAAAGAAGTACCCACATGTACAGAGGACAACT[CCTT>C]CTGTTCAATGTCTATCCCATCAATATCTGGAACTGAGGCATCTTTCTGTTGCTCCCCTAG-3'